The following is an entry in ClinVar:

NM_000535.7(PMS2):c.1537del (p.Ser513fs)

Gene: PMS2 (PMS1 homolog 2, mismatch repair system component; minus strand). Cytogenetic location: 7p22.1.
Variant type: Deletion.
Coding change: c.1537del on transcript NM_000535.7 (MANE Select); coding-DNA position 1537, one base deleted (A; older notation c.1537delA).
Protein change: p.Ser513fs; shifts the reading frame from serine 513.
Molecular consequence: frameshift variant. On other transcripts: non-coding transcript variant (1), intron variant (1).
Genome position (GRCh38, 1-based): chr7:5,987,228, T deleted on the plus strand (A on the coding strand, the reverse complement: PMS2 is on the minus strand). VCF-style (leftmost placement, unchanged base first): chr7-5987227-CT-C. GRCh37 (hg19) VCF-style: chr7-6026858-CT-C.
Other names: c.804-4237del (NM_001406912.1); c.1219del, p.Ser407fs (NM_001322007.2, NM_001322008.2, NM_001406876.1 and 2 more transcripts); c.1132del, p.Ser378fs (NM_001322009.2, NM_001406887.1, NM_001406888.1 and 16 more transcripts); c.976del, p.Ser326fs (NM_001322010.2, NM_001406906.1, NM_001406907.1); c.604del, p.Ser202fs (NM_001322011.2, NM_001322012.2); c.964del, p.Ser322fs (NM_001322013.2, NM_001406909.1); c.1537del, p.Ser513fs (NM_001322014.2, NM_001406871.1, NM_001406872.1); c.1228del, p.Ser410fs (NM_001322015.2, NM_001406875.1, NM_001406877.1 and 5 more transcripts); and 14 more; short protein forms S358fs, S378fs, S391fs, S405fs, S461fs, S202fs, S326fs, S407fs.
Identifiers: ClinVar variation 2716812 (VCV002716812.4), dbSNP rs2535775377, ClinGen allele CA2697553877.
Genomic context (GRCh38, chr7:5,987,227, plus strand): 5'-ACATGTTCCTGCGAGCCCCTGTCCCCTGGGGAGCTGGCCGCATACTCGCTGCTGCAGTGA[CT>C]GCCCGTGTCTGGGATGCTGAACCCCTCAGAATCCACGGAAGTGCTGCCGTGCCCCGAGTC-3'

ClinVar aggregate classification (germline): Pathogenic. Review status: criteria provided, multiple submitters, no conflicts (2 of 4 stars). 2 submissions from 2 submitters: Pathogenic (2). Last evaluated 2025-04-09.

Conditions:
Lynch syndrome 4 (LYNCH4). Also called: Colorectal cancer, hereditary nonpolyposis, type 4; Hereditary non-polyposis colorectal cancer, type 4. Identifiers: Orphanet 144, MedGen C1838333, MONDO:0013699, OMIM 614337. Disease mechanism: loss of function.
Hereditary nonpolyposis colorectal neoplasms. Identifiers: MedGen C0009405, MeSH D003123.

Submissions (2):

Myriad Genetics, Inc.
Classification: Pathogenic for Lynch syndrome 4. Last evaluated: 2025-04-09. Review status: criteria provided, single submitter. Criteria: Myriad Autosomal Dominant, Autosomal Recessive and X-Linked Classification Criteria (2023). Collection method: clinical testing. Allele origin: unknown.
Comment: This variant is considered pathogenic. This variant creates a frameshift predicted to result in premature protein truncation.

Labcorp Genetics (formerly Invitae), Labcorp
Classification: Pathogenic for Hereditary nonpolyposis colorectal neoplasms. Last evaluated: 2023-06-15. Review status: criteria provided, single submitter. Criteria: Invitae Variant Classification Sherloc (09022015). Collection method: clinical testing. Allele origin: germline.
Comment: For these reasons, this variant has been classified as Pathogenic. This variant has not been reported in the literature in individuals affected with PMS2-related conditions. This variant is not present in population databases (gnomAD no frequency). This sequence change creates a premature translational stop signal (p.Ser513Valfs*82) in the PMS2 gene. It is expected to result in an absent or disrupted protein product. Loss-of-function variants in PMS2 are known to be pathogenic (PMID: 21376568, 24362816).

Literature cited by the submitters: PubMed 21376568 (cited by Labcorp Genetics (formerly Invitae), Labcorp); PubMed 24362816 (cited by Labcorp Genetics (formerly Invitae), Labcorp).